The following is an entry in ClinVar:

ClinVar aggregate classification (germline): Uncertain significance. Review status: criteria provided, multiple submitters, no conflicts (2 of 4 stars). 4 submissions from 4 submitters: Uncertain significance (4). Last evaluated 2025-07-07.

Conditions:
Classic or attenuated familial adenomatous polyposis. Identifiers: MedGen CN372698, MONDO:0021057.
Hereditary cancer-predisposing syndrome. Also called: Tumor predisposition; Hereditary neoplastic syndrome; Hereditary Cancer Syndrome; Neoplastic Syndromes, Hereditary. Identifiers: Orphanet 140162, MedGen C0027672, MeSH D009386, MONDO:0015356.
Familial adenomatous polyposis 1 (FAP1). Also called: POLYPOSIS, ADENOMATOUS INTESTINAL; FAMILIAL ADENOMATOUS POLYPOSIS 1, ATTENUATED. Identifiers: MedGen C2713442, MONDO:0021056, OMIM 175100. Disease mechanism: loss of function.

Submissions (4):

Labcorp Genetics (formerly Invitae), Labcorp
Classification: Uncertain significance for Familial adenomatous polyposis 1. Last evaluated: 2025-07-07. Review status: criteria provided, single submitter. Criteria: Invitae Variant Classification Sherloc (09022015). Collection method: clinical testing. Allele origin: germline.
Comment: This sequence change replaces proline, which is neutral and non-polar, with leucine, which is neutral and non-polar, at codon 1594 of the APC protein (p.Pro1594Leu). This variant is not present in population databases (gnomAD no frequency). This variant has not been reported in the literature in individuals affected with APC-related conditions. ClinVar contains an entry for this variant (Variation ID: 1051712). Invitae Evidence Modeling of protein sequence and biophysical properties (such as structural, functional, and spatial information, amino acid conservation, physicochemical variation, residue mobility, and thermodynamic stability) indicates that this missense variant is not expected to disrupt APC protein function with a negative predictive value of 95%. In summary, the available evidence is currently insufficient to determine the role of this variant in disease. Therefore, it has been classified as a Variant of Uncertain Significance.

All of Us Research Program, National Institutes of Health
Classification: Uncertain significance for Classic or attenuated familial adenomatous polyposis. Last evaluated: 2024-04-25. Review status: criteria provided, single submitter. Criteria: ACMG Guidelines, 2015. Collection method: clinical testing. Allele origin: germline. Inheritance: Autosomal dominant inheritance. Observed: 1 variant allele, 1 heterozygote.
Comment: This missense variant replaces proline with leucine at codon 1594 of the APC protein. Computational prediction suggests that this variant may not impact protein structure and function. To our knowledge, functional studies have not been reported for this variant. This variant has not been reported in individuals affected with APC-related disorders in the literature. This variant has not been identified in the general population by the Genome Aggregation Database (gnomAD). The available evidence is insufficient to determine the role of this variant in disease conclusively. Therefore, this variant is classified as a Variant of Uncertain Significance.

This study involves interpretation of variants in research participants for the purpose of population health screening. Participant phenotype was not available at the time of variant classification. Additional details can be found in publication PMID: 35346344, PMCID: PMC8962531

Ambry Genetics
Classification: Uncertain significance for Hereditary cancer-predisposing syndrome. Last evaluated: 2022-09-24. Review status: criteria provided, single submitter. Criteria: Ambry Variant Classification Scheme 2023. Collection method: clinical testing. Allele origin: germline.
Comment: The p.P1594L variant (also known as c.4781C>T), located in coding exon 15 of the APC gene, results from a C to T substitution at nucleotide position 4781. The proline at codon 1594 is replaced by leucine, an amino acid with similar properties. This amino acid position is not well conserved in available vertebrate species. In addition, in silico predictors for this gene do not accurately predict pathogenicity. Since supporting evidence is limited at this time, the clinical significance of this alteration remains unclear.

GeneDx
Classification: Uncertain significance. Last evaluated: 2019-10-30. Review status: criteria provided, single submitter. Criteria: GeneDx Variant Classification Process June 2021. Collection method: clinical testing. Allele origin: germline. Affected: yes.
Comment: Has not been previously published as pathogenic or benign to our knowledge; Not observed in large population cohorts (Lek 2016); In silico analysis, which includes protein predictors and evolutionary conservation, supports that this variant does not alter protein structure/function

NM_000038.6(APC):c.4781C>T (p.Pro1594Leu)

Gene: APC (APC regulator of Wnt signaling pathway; plus strand). Cytogenetic location: 5q22.2.
Variant type: single nucleotide variant.
Coding change: c.4781C>T on transcript NM_000038.6 (MANE Select); coding-DNA position 4781, C replaced by T.
Protein change: p.Pro1594Leu; replaces proline 1594 with leucine.
Molecular consequence: missense variant.
Genome position (GRCh38, 1-based): chr5:112,840,375, C>T. VCF-style: chr5-112840375-C-T. GRCh37 (hg19) VCF-style: chr5-112176072-C-T.
Other names: c.4781C>T, p.Pro1594Leu (NM_001127510.3, NM_001354895.2); c.4727C>T, p.Pro1576Leu (NM_001127511.3); c.4835C>T, p.Pro1612Leu (NM_001354896.2); c.4811C>T, p.Pro1604Leu (NM_001354897.2); c.4706C>T, p.Pro1569Leu (NM_001354898.2); c.4697C>T, p.Pro1566Leu (NM_001354899.2); c.4658C>T, p.Pro1553Leu (NM_001354900.2); c.4604C>T, p.Pro1535Leu (NM_001354901.2); and 5 more; short protein forms P1311L, P1434L, P1468L, P1493L, P1503L, P1535L, P1553L, P1566L.
Identifiers: ClinVar variation 1051712 (VCV001051712.15), dbSNP rs2149923614, ClinGen allele CA16031813.